The following is an entry in ClinVar:

ClinVar aggregate classification (germline): Benign/Likely benign. Review status: criteria provided, multiple submitters, no conflicts (2 of 4 stars). 4 submissions from 4 submitters: Benign (1); Likely benign (2). 1 of the submissions does not count toward it. Last evaluated 2024-10-29.

Conditions:
Prostate cancer, hereditary, 9 (HPC9). Identifiers: Orphanet 1331, MedGen C1970250, MONDO:0012597, OMIM 610997.
Hereditary cancer-predisposing syndrome. Also called: Neoplastic Syndromes, Hereditary; Tumor predisposition; Hereditary neoplastic syndrome; Hereditary Cancer Syndrome. Identifiers: Orphanet 140162, MedGen C0027672, MeSH D009386, MONDO:0015356.
Prostate cancer, hereditary, 1 (HPC1). Identifiers: Orphanet 1331, MedGen C4722327, MONDO:0011098, OMIM 601518.

Allele frequency attached by ClinVar (database versions not stated): gnomAD exomes below 0.00001.
gnomAD v4.1: 1 of 1,614,220 alleles (0.000062%); highest among the groups gnomAD compares: African/African-American, 0.0013%; no homozygotes.

Submissions (4):

Myriad Genetics, Inc.
Classification: Benign for Prostate cancer, hereditary, 9. Last evaluated: 2024-10-29. Review status: criteria provided, single submitter. Criteria: Myriad Autosomal Dominant, Autosomal Recessive and X-Linked Classification Criteria (2023). Collection method: clinical testing. Allele origin: unknown.
Comment: This variant is considered benign. This variant is a silent/synonymous amino acid change and it is not expected to impact splicing.

Labcorp Genetics (formerly Invitae), Labcorp
Classification: Likely benign. Last evaluated: 2024-09-23. Review status: criteria provided, single submitter. Criteria: Invitae Variant Classification Sherloc (09022015). Collection method: clinical testing. Allele origin: germline.

Ambry Genetics
Classification: Likely benign for Hereditary cancer-predisposing syndrome. Last evaluated: 2019-11-04. Review status: criteria provided, single submitter. Criteria: Ambry Variant Classification Scheme 2023. Collection method: clinical testing. Allele origin: germline.

Laboratory of Virology, Microbiology,  Quality and Medical Biotechnologies, Faculty of Sciences and Techniques - Mohammedia, Hassan II University of Casablanca
Classification: Uncertain significance for Prostate cancer, hereditary, 1. Review status: no assertion criteria provided. Collection method: clinical testing. Allele origin: somatic. Affected: yes. Not counted in ClinVar's aggregate classification.

NM_006361.6(HOXB13):c.336G>A (p.Glu112=)

Gene: HOXB13 (homeobox B13; minus strand). Cytogenetic location: 17q21.32.
Variant type: single nucleotide variant.
Coding change: c.336G>A on transcript NM_006361.6 (MANE Select); coding-DNA position 336, G replaced by A.
Protein change: p.Glu112=; no amino-acid change (glutamic acid 112 retained).
Molecular consequence: synonymous variant.
Genome position (GRCh38, 1-based): chr17:48,728,258, C>T on the plus strand (G>A on the coding strand, the complement: HOXB13 is on the minus strand). VCF-style: chr17-48728258-C-T. GRCh37 (hg19) VCF-style: chr17-46805620-C-T.
Identifiers: ClinVar variation 690714 (VCV000690714.10), dbSNP rs1597934464, ClinGen allele CA500661894.
Genomic context (GRCh38, chr17:48,728,258, plus strand): 5'-TCCCGGATAGAAGGCAAACTCAGTGGGGCGGCTGGGGTACTCTTCCCCGGCCGTGGGAGT[C>T]TCCGCGGGGTACGCGGCCAGGGTGGCTGCCTGGGCACAGGGTTTCAGCGAGCTCCGGGAC-3'
Protein context (NP_006352.2, residues 102-122): QAATLAAYPA[Glu112=]TPTAGEEYPS